The following is an entry in ClinVar:

NM_001330260.2(SCN8A):c.3827T>C (p.Leu1276Ser)

Gene: SCN8A (sodium voltage-gated channel alpha subunit 8; plus strand). Cytogenetic location: 12q13.13.
Variant type: single nucleotide variant.
Coding change: c.3827T>C on transcript NM_001330260.2 (MANE Select); coding-DNA position 3827, T replaced by C.
Protein change: p.Leu1276Ser; replaces leucine 1276 with serine.
Molecular consequence: missense variant. On other transcripts: intron variant (2).
Genome position (GRCh38, 1-based): chr12:51,780,656, T>C. VCF-style: chr12-51780656-T-C. GRCh37 (hg19) VCF-style: chr12-52174440-T-C.
Other names: c.3827T>C, p.Leu1276Ser (NM_014191.4); c.3820-5886T>C (NM_001177984.3, NM_001369788.1); short protein forms L1276S.
Identifiers: ClinVar variation 4855613 (VCV004855613.1).

ClinVar aggregate classification (germline): Uncertain significance (1 of 4 stars; one submission).

Conditions:
Cognitive impairment with or without cerebellar ataxia (CIAT). Identifiers: MedGen C3280415, MONDO:0013680, OMIM 614306.

Submission:

3billion
Classification: Uncertain significance for Cognitive impairment with or without cerebellar ataxia. Last evaluated: 2025-09-15. Review status: criteria provided, single submitter. Criteria: ACMG Guidelines, 2015. Collection method: clinical testing. Allele origin: germline. Affected: yes.
Comment: The variant is not observed in the gnomAD v4.1.0 dataset. Predicted Consequence/Location: Missense variant In silico tool predictions suggest damaging effect of the variant on gene or gene product [REVEL: 0.90 (>=0.6, sensitivity 0.68 and specificity 0.92)]. Therefore, this variant is classified as VUS according to the recommendation of ACMG/AMP guideline.